The following is an entry in ClinVar:

ClinVar aggregate classification (germline): Uncertain significance (1 of 4 stars; one submission).

Conditions:
Rafiq syndrome (RAFQS). Identifiers: Orphanet 88616, MedGen C3280127, MONDO:0013624, OMIM 614202.

Allele frequency attached by ClinVar (database versions not stated): TOPMed 0.00005; ExAC 0.00007; gnomAD 0.00007; ESP Exome Variant Server 0.00008; 1000 Genomes Project 30x 0.00016; 1000 Genomes Project 0.00020.
gnomAD v4.1: 60 of 1,613,674 alleles (0.0037%); highest among the groups gnomAD compares: African/African-American, 0.008%; no homozygotes.

Submission:

Labcorp Genetics (formerly Invitae), Labcorp
Classification: Uncertain significance for Rafiq syndrome. Last evaluated: 2025-04-08. Review status: criteria provided, single submitter. Criteria: Invitae Variant Classification Sherloc (09022015). Collection method: clinical testing. Allele origin: germline.
Comment: This sequence change replaces tyrosine, which is neutral and polar, with cysteine, which is neutral and slightly polar, at codon 638 of the MAN1B1 protein (p.Tyr638Cys). This variant is present in population databases (rs201112296, gnomAD 0.02%). This variant has not been reported in the literature in individuals affected with MAN1B1-related conditions. ClinVar contains an entry for this variant (Variation ID: 2051712). An algorithm developed to predict the effect of missense changes on protein structure and function (PolyPhen-2) suggests that this variant is likely to be disruptive. In summary, the available evidence is currently insufficient to determine the role of this variant in disease. Therefore, it has been classified as a Variant of Uncertain Significance.

NM_016219.5(MAN1B1):c.1913A>G (p.Tyr638Cys)

Gene: MAN1B1 (mannosidase alpha class 1B member 1; plus strand). Cytogenetic location: 9q34.3.
Variant type: single nucleotide variant.
Coding change: c.1913A>G on transcript NM_016219.5 (MANE Select); coding-DNA position 1913, A replaced by G.
Protein change: p.Tyr638Cys; replaces tyrosine 638 with cysteine.
Molecular consequence: missense variant. On other transcripts: non-coding transcript variant (2).
Genome position (GRCh38, 1-based): chr9:137,108,404, A>G. VCF-style: chr9-137108404-A-G. GRCh37 (hg19) VCF-style: chr9-140002856-A-G.
Other names: c.1805A>G, p.Tyr602Cys (NM_007230.1); short protein forms Y638C, Y602C.
Identifiers: ClinVar variation 2051712 (VCV002051712.4), dbSNP rs201112296, ClinGen allele CA5359519.